The following is an entry in ClinVar:

ClinVar aggregate classification (germline): Uncertain significance (1 of 4 stars; one submission).

Conditions:
Dilated cardiomyopathy 1W (CMD1W). Identifiers: Orphanet 154, MedGen C1969639, MONDO:0012667, OMIM 611407.

Allele frequency attached by ClinVar (database versions not stated): gnomAD exomes 0.00001; ExAC 0.00002; 1000 Genomes Project 0.00020; 1000 Genomes Project 30x 0.00031.
gnomAD v4.1: 3 of 1,613,688 alleles (0.00019%); highest among the groups gnomAD compares: Non-Finnish European, 0.00025%; no homozygotes.

Submission:

Labcorp Genetics (formerly Invitae), Labcorp
Classification: Uncertain significance for Dilated cardiomyopathy 1W. Last evaluated: 2023-11-15. Review status: criteria provided, single submitter. Criteria: Invitae Variant Classification Sherloc (09022015). Collection method: clinical testing. Allele origin: germline.
Comment: This sequence change falls in intron 8 of the VCL gene. It does not directly change the encoded amino acid sequence of the VCL protein. It affects a nucleotide within the consensus splice site. This variant is present in population databases (rs201949733, gnomAD 0.003%). This variant has not been reported in the literature in individuals affected with VCL-related conditions. ClinVar contains an entry for this variant (Variation ID: 1432727). Variants that disrupt the consensus splice site are a relatively common cause of aberrant splicing (PMID: 17576681, 9536098). Algorithms developed to predict the effect of sequence changes on RNA splicing suggest that this variant may disrupt the consensus splice site. In summary, the available evidence is currently insufficient to determine the role of this variant in disease. Therefore, it has been classified as a Variant of Uncertain Significance.

Literature cited by the submitters: PubMed 17576681; PubMed 9536098.

NM_014000.3(VCL):c.1022+3A>T

Gene: VCL (vinculin; plus strand). Cytogenetic location: 10q22.2.
Variant type: single nucleotide variant.
Coding change: c.1022+3A>T on transcript NM_014000.3 (MANE Select); 3 bases into the intron after coding-DNA position 1022, A replaced by T.
Molecular consequence: intron variant.
Genome position (GRCh38, 1-based): chr10:74,083,516, A>T. VCF-style: chr10-74083516-A-T. GRCh37 (hg19) VCF-style: chr10-75843274-A-T.
Other names: c.1022+3A>T (NM_003373.4).
Identifiers: ClinVar variation 1432727 (VCV001432727.6), dbSNP rs201949733, ClinGen allele CA5562904.